The following is an entry in ClinVar:

ClinVar aggregate classification (germline): Uncertain significance (1 of 4 stars; one submission).

Conditions:
Familial thoracic aortic aneurysm and aortic dissection (TAAD). Also called: Thoracic aortic aneurysms and dissections. Identifiers: Orphanet 91387, MedGen C4707243, MONDO:0019625.

Submission:

Labcorp Genetics (formerly Invitae), Labcorp
Classification: Uncertain significance for Familial thoracic aortic aneurysm and aortic dissection. Last evaluated: 2018-10-10. Review status: criteria provided, single submitter. Criteria: Invitae Variant Classification Sherloc (09022015). Collection method: clinical testing. Allele origin: germline.
Comment: In summary, the available evidence is currently insufficient to determine the role of this variant in disease. Therefore, it has been classified as a Variant of Uncertain Significance. Algorithms developed to predict the effect of missense changes on protein structure and function are either unavailable or do not agree on the potential impact of this missense change (SIFT: "Not Available"; PolyPhen-2: "Benign"; Align-GVGD: "Not Available"). This sequence change replaces glycine with serine at codon 73 of the SMAD3 protein (p.Gly73Ser). The glycine residue is highly conserved and there is a small physicochemical difference between glycine and serine. This variant is not present in population databases (ExAC no frequency). This variant has not been reported in the literature in individuals with SMAD3-related disease.

NM_005902.4(SMAD3):c.217G>A (p.Gly73Ser)

Gene: SMAD3 (SMAD family member 3; plus strand). Cytogenetic location: 15q22.33.
Variant type: single nucleotide variant.
Coding change: c.217G>A on transcript NM_005902.4 (MANE Select); coding-DNA position 217, G replaced by A.
Protein change: p.Gly73Ser; replaces glycine 73 with serine.
Molecular consequence: missense variant. On other transcripts: 5 prime UTR variant (1).
Genome position (GRCh38, 1-based): chr15:67,164,905, G>A. VCF-style: chr15-67164905-G-A. GRCh37 (hg19) VCF-style: chr15-67457243-G-A.
Other names: c.-99G>A (NM_001145102.2); c.85G>A, p.Gly29Ser (NM_001145103.2); short protein forms G29S, G73S.
Identifiers: ClinVar variation 660736 (VCV000660736.7), dbSNP rs1595941556, ClinGen allele CA392953463.
Genomic context (GRCh38, chr15:67,164,905, plus strand): 5'-CAAGCACAATCCACATTTCCCTCTCTTTCTGCCCCTCCCCGTCCTGGCAGGTCCCTGGAT[G>A]GCCGGTTGCAGGTGTCCCATCGGAAGGGGCTCCCTCATGTCATCTACTGCCGCCTGTGGC-3'
Protein context (NP_005893.1, residues 63-83): KCITIPRSLD[Gly73Ser]RLQVSHRKGL